The following is an entry in ClinVar:

ClinVar aggregate classification (germline): Uncertain significance (1 of 4 stars; one submission).

Conditions:
Myofibrillar myopathy 4. Also called: Zaspopathy (type). Identifiers: Orphanet 98912, MedGen C4721886, MONDO:0012277, OMIM 609452.

Submission:

Labcorp Genetics (formerly Invitae), Labcorp
Classification: Uncertain significance for Myofibrillar myopathy 4. Last evaluated: 2023-07-05. Review status: criteria provided, single submitter. Criteria: Invitae Variant Classification Sherloc (09022015). Collection method: clinical testing. Allele origin: germline.
Comment: In summary, the available evidence is currently insufficient to determine the role of this variant in disease. Therefore, it has been classified as a Variant of Uncertain Significance. This variant is present in population databases (no rsID available, gnomAD 0.007%). This sequence change replaces histidine, which is basic and polar, with arginine, which is basic and polar, at codon 151 of the LDB3 protein (p.His151Arg). An algorithm developed to predict the effect of missense changes on protein structure and function (PolyPhen-2) suggests that this variant is likely to be tolerated. This variant has not been reported in the literature in individuals affected with LDB3-related conditions.

NM_001368067.1(LDB3):c.452A>G (p.His151Arg)

Genes: LDB3 (LIM domain binding 3; plus strand), LOC110121486 (VISTA enhancer hs2143; plus strand). Cytogenetic location: 10q23.2.
Variant type: single nucleotide variant.
Coding change: c.452A>G on transcript NM_001368067.1 (MANE Plus Clinical); coding-DNA position 452, A replaced by G.
Protein change: p.His151Arg; replaces histidine 151 with arginine.
Molecular consequence: missense variant. On other transcripts: intron variant (5).
Genome position (GRCh38, 1-based): chr10:86,687,176, A>G. VCF-style: chr10-86687176-A-G. GRCh37 (hg19) VCF-style: chr10-88446933-A-G.
Other names: c.452A>G, p.His151Arg (NM_001080114.2, NM_001080116.1, NM_001368066.1 and 1 more transcripts); c.797A>G, p.His266Arg (NM_001171610.2, NM_001171611.2); c.690-4720A>G (NM_001368064.1, NM_001368063.1, NM_007078.3 and 2 more transcripts); short protein forms H151R, H266R.
Identifiers: ClinVar variation 2777855 (VCV002777855.3), dbSNP rs199988151, ClinGen allele CA377441668.